The following is an entry in ClinVar:

ClinVar aggregate classification (germline): Uncertain significance (1 of 4 stars; one submission).

Conditions:
Cardiovascular phenotype. Identifiers: MedGen CN230736.

Allele frequency attached by ClinVar (database versions not stated): gnomAD 0.00001.
gnomAD v4.1: 3 of 1,613,934 alleles (0.00019%); highest among the groups gnomAD compares: Non-Finnish European, 0.00025%; no homozygotes.

Submission:

Ambry Genetics
Classification: Uncertain significance for Cardiovascular phenotype. Last evaluated: 2021-12-16. Review status: criteria provided, single submitter. Criteria: Ambry Variant Classification Scheme 2023. Collection method: clinical testing. Allele origin: germline.
Comment: The p.W2495S variant (also known as c.7484G>C), located in coding exon 26 of the APOB gene, results from a G to C substitution at nucleotide position 7484. The tryptophan at codon 2495 is replaced by serine, an amino acid with highly dissimilar properties. This amino acid position is conserved. In addition, this alteration is predicted to be tolerated by in silico analysis. Since supporting evidence is limited at this time, the clinical significance of this alteration remains unclear.

NM_000384.3(APOB):c.7484G>C (p.Trp2495Ser)

Gene: APOB (apolipoprotein B; minus strand). Cytogenetic location: 2p24.1.
Variant type: single nucleotide variant.
Coding change: c.7484G>C on transcript NM_000384.3 (MANE Select); coding-DNA position 7484, G replaced by C.
Protein change: p.Trp2495Ser; replaces tryptophan 2495 with serine.
Molecular consequence: missense variant.
Genome position (GRCh38, 1-based): chr2:21,009,384, C>G on the plus strand (G>C on the coding strand, the complement: APOB is on the minus strand). VCF-style: chr2-21009384-C-G. GRCh37 (hg19) VCF-style: chr2-21232256-C-G.
Other names: short protein forms W2495S.
Identifiers: ClinVar variation 1759113 (VCV001759113.2), dbSNP rs764360150, ClinGen allele CA345997056.